The following is an entry in ClinVar:

NC_000002.11:g.(?_39212965)_(39251298_?)dup

Genes: SOS1 (SOS Ras/Rac guanine nucleotide exchange factor 1; minus strand), SOS1-IT1 (SOS1 intronic transcript 1). Cytogenetic location: 2p22.1.
Variant type: Duplication.
Identifiers: ClinVar variation 2425392 (VCV002425392.4).

ClinVar aggregate classification (germline): Uncertain significance (1 of 4 stars; one submission).

Conditions:
RASopathy. Also called: Noonan spectrum disorder; rasopathies. Identifiers: Orphanet 536391, MedGen C5555857, MONDO:0021060.

Submission:

Labcorp Genetics (formerly Invitae), Labcorp
Classification: Uncertain significance for RASopathy. Last evaluated: 2022-06-27. Review status: criteria provided, single submitter. Criteria: Invitae Variant Classification Sherloc (09022015). Collection method: clinical testing. Allele origin: germline.
Comment: In summary, the available evidence is currently insufficient to determine the role of this variant in disease. Therefore, it has been classified as a Variant of Uncertain Significance. This variant has not been reported in the literature in individuals affected with SOS1-related conditions. This variant results in a copy number gain of the genomic region encompassing exon(s) 9-23 of the SOS1 gene. This region includes the termination codon of the gene. This copy number gain extends beyond the assayed region for this gene and therefore may encompass additional genes. As the precise location of this event is unknown, it may be in tandem or it may be located elsewhere in the genome.